The following is an entry in ClinVar:

ClinVar aggregate classification (germline): Uncertain significance (1 of 4 stars; one submission).

Conditions:
Hereditary cancer-predisposing syndrome. Also called: Tumor predisposition; Neoplastic Syndromes, Hereditary; Hereditary Cancer Syndrome; Hereditary neoplastic syndrome. Identifiers: Orphanet 140162, MedGen C0027672, MeSH D009386, MONDO:0015356.

gnomAD v4.1: 1 of 1,614,196 alleles (0.000062%); highest among the groups gnomAD compares: African/African-American, 0.0013%; no homozygotes.

Submission:

Ambry Genetics
Classification: Uncertain significance for Hereditary cancer-predisposing syndrome. Last evaluated: 2024-11-11. Review status: criteria provided, single submitter. Criteria: Ambry Variant Classification Scheme 2023. Collection method: clinical testing. Allele origin: germline.
Comment: The p.T477S variant (also known as c.1429A>T), located in coding exon 13 of the FANCC gene, results from an A to T substitution at nucleotide position 1429. The threonine at codon 477 is replaced by serine, an amino acid with similar properties. This amino acid position is conserved. In addition, this alteration is predicted to be tolerated by in silico analysis. Based on the available evidence, the clinical significance of this variant remains unclear.

NM_000136.3(FANCC):c.1429A>T (p.Thr477Ser)

Genes: FANCC (FA complementation group C; minus strand), AOPEP (aminopeptidase O (putative); plus strand). Cytogenetic location: 9q22.32.
Variant type: single nucleotide variant.
Coding change: c.1429A>T on transcript NM_000136.3 (MANE Select); coding-DNA position 1429, A replaced by T.
Protein change: p.Thr477Ser; replaces threonine 477 with serine.
Molecular consequence: missense variant.
Genome position (GRCh38, 1-based): chr9:95,107,170, T>A on the plus strand (A>T on the coding strand, the complement: FANCC is on the minus strand). VCF-style: chr9-95107170-T-A. GRCh37 (hg19) VCF-style: chr9-97869452-T-A.
Other names: c.1429A>T, p.Thr477Ser (NM_001243743.2); short protein forms T477S.
Identifiers: ClinVar variation 3512799 (VCV003512799.1).